The following is an entry in ClinVar:

ClinVar aggregate classification (germline): Likely benign. Review status: criteria provided, single submitter (1 of 4 stars). 2 submissions from 2 submitters: Likely benign (1). 1 of the submissions does not count toward it. Last evaluated 2026-01-03.

Conditions:
SIAE-related disorder. Also called: SIAE-related condition.

Allele frequency attached by ClinVar (database versions not stated): gnomAD exomes 0.00098; ExAC 0.00116; 1000 Genomes Project 0.00140; 1000 Genomes Project 30x 0.00156.
gnomAD v4.1: 744 of 1,614,160 alleles (0.046%); highest among the groups gnomAD compares: South Asian, 0.78%; 14 homozygotes.

Submissions (2):

Labcorp Genetics (formerly Invitae), Labcorp
Classification: Likely benign. Last evaluated: 2026-01-03. Review status: criteria provided, single submitter. Criteria: Invitae Variant Classification Sherloc (09022015). Collection method: clinical testing. Allele origin: germline.

PreventionGenetics, part of Exact Sciences
Classification: Benign for SIAE-related condition. Last evaluated: 2023-10-04. Review status: no assertion criteria provided. Collection method: clinical testing. Allele origin: germline. Not counted in ClinVar's aggregate classification.
Comment: This variant is classified as benign based on ACMG/AMP sequence variant interpretation guidelines (Richards et al. 2015 PMID: 25741868, with internal and published modifications).

NM_170601.5(SIAE):c.860A>T (p.Asp287Val)

Gene: SIAE (sialic acid acetylesterase; minus strand). Cytogenetic location: 11q24.2.
Variant type: single nucleotide variant.
Coding change: c.860A>T on transcript NM_170601.5 (MANE Select); coding-DNA position 860, A replaced by T.
Protein change: p.Asp287Val; replaces aspartic acid 287 with valine.
Molecular consequence: missense variant.
Genome position (GRCh38, 1-based): chr11:124,647,471, T>A on the plus strand (A>T on the coding strand, the complement: SIAE is on the minus strand). VCF-style: chr11-124647471-T-A. GRCh37 (hg19) VCF-style: chr11-124517367-T-A.
Other names: c.755A>T, p.Asp252Val (NM_001199922.2); c.860A>T (NM_170601.4); short protein forms D252V, D287V.
Identifiers: ClinVar variation 1161656 (VCV001161656.11), dbSNP rs550541077, ClinGen allele CA6341382.